The following is an entry in ClinVar:

NM_018297.4(NGLY1):c.521T>G (p.Val174Gly)

Gene: NGLY1 (N-glycanase 1; minus strand). Cytogenetic location: 3p24.2.
Variant type: single nucleotide variant.
Coding change: c.521T>G on transcript NM_018297.4 (MANE Select); coding-DNA position 521, T replaced by G.
Protein change: p.Val174Gly; replaces valine 174 with glycine.
Molecular consequence: missense variant.
Genome position (GRCh38, 1-based): chr3:25,751,235, A>C on the plus strand (T>G on the coding strand, the complement: NGLY1 is on the minus strand). VCF-style: chr3-25751235-A-C. GRCh37 (hg19) VCF-style: chr3-25792726-A-C.
Other names: c.521T>G, p.Val174Gly (NM_001145293.2, NM_001145295.2); c.395T>G, p.Val132Gly (NM_001145294.2); short protein forms V132G, V174G.
Identifiers: ClinVar variation 1045308 (VCV001045308.5), dbSNP rs1306695269, ClinGen allele CA351906323.

ClinVar aggregate classification (germline): Uncertain significance (1 of 4 stars; one submission).

Conditions:
Congenital disorder of deglycosylation (CDDG). Identifiers: MedGen C3808991, MONDO:0031376.

Allele frequency attached by ClinVar (database versions not stated): gnomAD 0.00001.
gnomAD v4.1: 1 of 1,595,932 alleles (0.000063%); highest among the groups gnomAD compares: African/African-American, 0.0013%; no homozygotes.

Submission:

Labcorp Genetics (formerly Invitae), Labcorp
Classification: Uncertain significance for Congenital disorder of deglycosylation. Last evaluated: 2022-01-14. Review status: criteria provided, single submitter. Criteria: Invitae Variant Classification Sherloc (09022015). Collection method: clinical testing. Allele origin: germline.
Comment: This sequence change replaces valine, which is neutral and non-polar, with glycine, which is neutral and non-polar, at codon 174 of the NGLY1 protein (p.Val174Gly). This variant is not present in population databases (gnomAD no frequency). In summary, the available evidence is currently insufficient to determine the role of this variant in disease. Therefore, it has been classified as a Variant of Uncertain Significance. Algorithms developed to predict the effect of sequence changes on RNA splicing suggest that this variant may create or strengthen a splice site. Algorithms developed to predict the effect of missense changes on protein structure and function (SIFT, PolyPhen-2, Align-GVGD) all suggest that this variant is likely to be tolerated. ClinVar contains an entry for this variant (Variation ID: 1045308). This variant has not been reported in the literature in individuals affected with NGLY1-related conditions.